The following is an entry in ClinVar:

NM_002473.6(MYH9):c.3093C>G (p.Asp1031Glu)

Gene: MYH9 (myosin heavy chain 9; minus strand). Cytogenetic location: 22q12.3.
Variant type: single nucleotide variant.
Coding change: c.3093C>G on transcript NM_002473.6 (MANE Select); coding-DNA position 3093, C replaced by G.
Protein change: p.Asp1031Glu; replaces aspartic acid 1031 with glutamic acid.
Molecular consequence: missense variant.
Genome position (GRCh38, 1-based): chr22:36,298,926, G>C on the plus strand (C>G on the coding strand, the complement: MYH9 is on the minus strand). VCF-style: chr22-36298926-G-C. GRCh37 (hg19) VCF-style: chr22-36694972-G-C.
Other names: short protein forms D1031E.
Identifiers: ClinVar variation 1484423 (VCV001484423.6), dbSNP rs2146341663, ClinGen allele CA411390685.

ClinVar aggregate classification (germline): Uncertain significance (1 of 4 stars; one submission).

gnomAD v4.1: 1 of 1,613,962 alleles (0.000062%); highest among the groups gnomAD compares: Admixed American, 0.0017%; no homozygotes.

Submission:

Labcorp Genetics (formerly Invitae), Labcorp
Classification: Uncertain significance. Last evaluated: 2021-07-31. Review status: criteria provided, single submitter. Criteria: Invitae Variant Classification Sherloc (09022015). Collection method: clinical testing. Allele origin: germline.
Comment: This variant is not present in population databases (ExAC no frequency). Algorithms developed to predict the effect of missense changes on protein structure and function (SIFT, PolyPhen-2, Align-GVGD) all suggest that this variant is likely to be tolerated. This variant has not been reported in the literature in individuals affected with MYH9-related conditions. This sequence change replaces aspartic acid with glutamic acid at codon 1031 of the MYH9 protein (p.Asp1031Glu). The aspartic acid residue is moderately conserved and there is a small physicochemical difference between aspartic acid and glutamic acid. In summary, the available evidence is currently insufficient to determine the role of this variant in disease. Therefore, it has been classified as a Variant of Uncertain Significance.